The following is an entry in ClinVar:

NM_130839.5(UBE3A):c.463dup (p.Ser155fs)

Genes: SNHG14 (small nucleolar RNA host gene 14; plus strand), UBE3A (ubiquitin protein ligase E3A; minus strand). Cytogenetic location: 15q11.2.
Variant type: Duplication.
Coding change: c.463dup on transcript NM_130839.5 (MANE Select); coding-DNA position 463, one base duplicated (T; older notation c.463dupT).
Protein change: p.Ser155fs; shifts the reading frame from serine 155.
Molecular consequence: frameshift variant. On other transcripts: non-coding transcript variant (1), intron variant (2).
Genome position (GRCh38, 1-based): chr15:25,371,711, A duplicated on the plus strand (T on the coding strand, the reverse complement: UBE3A is on the minus strand); the first of 6 consecutive A bases (chr15:25,371,711-25,371,716); duplicating any one gives the same sequence. VCF-style (leftmost placement, unchanged base first): chr15-25371710-G-GA. GRCh37 (hg19) VCF-style: chr15-25616857-G-GA.
Other names: c.403dup (NM_130838.2); c.472dup, p.Ser158fs (NM_000462.5); c.463dup, p.Ser155fs (NM_001354505.1, NM_001354538.2, NM_001354545.2); c.403dup, p.Ser135fs (NM_001354506.2, NM_001354507.2, NM_001354508.2 and 17 more transcripts); c.286dup, p.Ser96fs (NM_001354546.2); c.301+3749dup (NM_001354551.2); c.361+3749dup (NM_001354550.2); short protein forms S155fs, S135fs, S158fs, S96fs.
Identifiers: ClinVar variation 136194 (VCV000136194.5), dbSNP rs587780572, ClinGen allele CA333463.

ClinVar aggregate classification (germline): Pathogenic. Review status: criteria provided, single submitter (1 of 4 stars). 3 submissions from 3 submitters: Pathogenic (1). 2 of the submissions do not count toward it. Last evaluated 2022-03-31.

Conditions:
Angelman syndrome (AS). Also called: HAPPY PUPPET SYNDROME. Identifiers: Orphanet 72, MedGen C0162635, MONDO:0007113, OMIM 105830. Disease mechanism: loss of function. Inheritance: AS is caused by disruption of maternally imprinted UBE3A located within the 15q11.2-q13 Angelman syndrome/Prader-Willi syndrome (AS/PWS) region., imprinting disorder.

Submissions (3):

GeneDx
Classification: Pathogenic. Last evaluated: 2022-03-31. Review status: criteria provided, single submitter. Criteria: GeneDx Variant Classification Process June 2021. Collection method: clinical testing. Allele origin: germline. Affected: yes.
Comment: Identified in two alleles out of a cohort of individuals with suspected Angelman syndrome, however, detailed clinical information and familial segregation information were not provided (Sadikovic et al., 2014); Frameshift variant predicted to result in protein truncation or nonsense-mediated decay in a gene for which loss of function is a known mechanism of disease; Not observed at significant frequency in large population cohorts (gnomAD); This variant is associated with the following publications: (PMID: 29655203, 25212744)

Genetic Services Laboratory, University of Chicago
Classification: Pathogenic. Last evaluated: 2022-05-26. Review status: no assertion criteria provided. Collection method: clinical testing. Allele origin: germline. Affected: yes. Not counted in ClinVar's aggregate classification.
Comment: DNA sequence analysis of the UBE3A gene demonstrated a single base pair duplication in exon 4, c.403dup. This sequence change results in an amino acid frameshift and creates a premature stop codon two amino acids downstream of the change, p.Ser135Phefs*2. This sequence change is predicted to result in an abnormal transcript, which may be degraded, or may lead to the production of a truncated UBE3A protein with potentially abnormal function. The c.403dup sequence change has not been described in population databases such as ExAC and gnomAD (dbSNP rs587780572). This sequence change has previously been described in individuals with Angelman syndrome (PMID: 29655203, 25212744). Collectively these evidences indicate this sequence change is pathogenic.

Baylor Genetics
Classification: Pathogenic for Angelman Syndrome. Last evaluated: 2014-02-14. Review status: no assertion criteria provided. Collection method: clinical testing. Allele origin: germline. Affected: yes. Observed: 2 variant alleles. Study: UBE3A Mutation Study. Not counted in ClinVar's aggregate classification.
Comment: Data collected from clinical UBE3A sequence analysis results

Literature cited by the submitters: PubMed 25212744 (cited by Baylor Genetics).